The following is an entry in ClinVar:

ClinVar aggregate classification (germline): Benign. Review status: criteria provided, multiple submitters, no conflicts (2 of 4 stars). 3 submissions from 3 submitters: Benign (2). 1 of the submissions does not count toward it. Last evaluated 2019-12-31.

Conditions:
UBR4-related disorder. Also called: UBR4-related condition.

Allele frequency attached by ClinVar (database versions not stated): gnomAD exomes 0.00070 and 0.00148; ESP Exome Variant Server 0.00377; 1000 Genomes Project 30x 0.00578; gnomAD 0.00392 and 0.00412; 1000 Genomes Project 0.00539; ExAC 0.00153; TOPMed 0.00466.
gnomAD v4.1: 1,683 of 1,614,166 alleles (0.1%); highest among the groups gnomAD compares: African/African-American, 1.3%; 7 homozygotes.

Submissions (3):

Labcorp Genetics (formerly Invitae), Labcorp
Classification: Benign. Last evaluated: 2019-12-31. Review status: criteria provided, single submitter. Criteria: Invitae Variant Classification Sherloc (09022015). Collection method: clinical testing. Allele origin: germline.

Breakthrough Genomics
Classification: Benign. Review status: criteria provided, single submitter. Criteria: ACMG Guidelines, 2015. Collection method: not provided. Allele origin: germline. Inheritance: Unknown mechanism. Affected: yes.

PreventionGenetics, part of Exact Sciences
Classification: Benign for UBR4-related condition. Last evaluated: 2019-07-10. Review status: no assertion criteria provided. Collection method: clinical testing. Allele origin: germline. Not counted in ClinVar's aggregate classification.
Comment: This variant is classified as benign based on ACMG/AMP sequence variant interpretation guidelines (Richards et al. 2015 PMID: 25741868, with internal and published modifications).

NM_020765.3(UBR4):c.1857C>T (p.Ser619=)

Gene: UBR4 (ubiquitin protein ligase E3 component n-recognin 4; minus strand). Cytogenetic location: 1p36.13.
Variant type: single nucleotide variant.
Coding change: c.1857C>T on transcript NM_020765.3 (MANE Select); coding-DNA position 1857, C replaced by T.
Protein change: p.Ser619=; no amino-acid change (serine 619 retained).
Molecular consequence: synonymous variant.
Genome position (GRCh38, 1-based): chr1:19,185,180, G>A on the plus strand (C>T on the coding strand, the complement: UBR4 is on the minus strand). VCF-style: chr1-19185180-G-A. GRCh37 (hg19) VCF-style: chr1-19511674-G-A.
Identifiers: ClinVar variation 786457 (VCV000786457.7), dbSNP rs141838691, ClinGen allele CA651564.